The following is an entry in ClinVar:

ClinVar aggregate classification (germline): Pathogenic (1 of 4 stars; one submission).

Conditions:
Mowat-Wilson syndrome (MOWS). Also called: Classic Mowat-Wilson Syndrome. Identifiers: Orphanet 2152, MedGen C1856113, MONDO:0009341, OMIM 235730.

Submission:

Labcorp Genetics (formerly Invitae), Labcorp
Classification: Pathogenic for Mowat-Wilson syndrome. Last evaluated: 2024-08-27. Review status: criteria provided, single submitter. Criteria: Invitae Variant Classification Sherloc (09022015). Collection method: clinical testing. Allele origin: germline.
Comment: This sequence change creates a premature translational stop signal (p.Asp396Glnfs*2) in the ZEB2 gene. It is expected to result in an absent or disrupted protein product. Loss-of-function variants in ZEB2 are known to be pathogenic (PMID: 16053902). This variant is not present in population databases (gnomAD no frequency). This variant has not been reported in the literature in individuals affected with ZEB2-related conditions. For these reasons, this variant has been classified as Pathogenic.

Literature cited by the submitters: PubMed 16053902.

NM_014795.4(ZEB2):c.1185_1186insCAAT (p.Asp396delinsGlnTer)

Gene: ZEB2 (zinc finger E-box binding homeobox 2; minus strand). Cytogenetic location: 2q22.3.
Variant type: Insertion.
Coding change: c.1185_1186insCAAT on transcript NM_014795.4 (MANE Select); coding-DNA positions 1185 to 1186, CAAT inserted.
Protein change: p.Asp396delinsGlnTer.
Molecular consequence: nonsense.
Genome position: GRCh38 VCF-style: chr2-144400001-C-CATTG. GRCh37 (hg19) VCF-style: chr2-145157568-C-CATTG.
Other names: c.1113_1114insCAAT, p.Asp372delinsGlnTer (NM_001171653.2).
Identifiers: ClinVar variation 3663567 (VCV003663567.2).
Genomic context (GRCh38, chr2:144,400,001, plus strand): 5'-TAAAGGGACTAGTGCCACTAAACCCGTGTGTAGCCATAAGAACTTTATAGTCATTGAAGT[C>CATTG]TAGTGGTTCTGTTTTAATTTTAAGTAAGCCTGTCTGTTCAGACATACTAAGTGGTTTTCC-3'